The following is an entry in ClinVar:

ClinVar aggregate classification (germline): Benign (1 of 4 stars; one submission).

Conditions:
Familial colorectal cancer type X. Identifiers: Orphanet 440437, MedGen C3896578, MONDO:0018604.

Submission:

Myriad Genetics, Inc.
Classification: Benign for Familial colorectal cancer type X. Last evaluated: 2026-08-03. Review status: criteria provided, single submitter. Criteria: Myriad Autosomal Dominant, Autosomal Recessive and X-Linked Classification Criteria (2023). Collection method: clinical testing. Allele origin: unknown.
Comment: This variant is considered benign. This variant is a silent/synonymous amino acid change and it is not expected to impact splicing.

NM_001023.4(RPS20):c.240C>T (p.Phe80=)

Gene: RPS20 (ribosomal protein S20; minus strand). Cytogenetic location: 8q12.1.
Variant type: single nucleotide variant.
Coding change: c.240C>T on transcript NM_001023.4 (MANE Select); coding-DNA position 240, C replaced by T.
Protein change: p.Phe80=; no amino-acid change (phenylalanine 80 retained).
Molecular consequence: synonymous variant.
Genome position (GRCh38, 1-based): chr8:56,073,210, G>A on the plus strand (C>T on the coding strand, the complement: RPS20 is on the minus strand). VCF-style: chr8-56073210-G-A. GRCh37 (hg19) VCF-style: chr8-56985769-G-A.
Other names: c.240C>T, p.Phe80= (NM_001146227.3).
Identifiers: ClinVar variation 5042115 (VCV005042115.1).